The following is an entry in ClinVar:

NM_007194.4(CHEK2):c.167G>T (p.Ser56Ile)

Gene: CHEK2 (checkpoint kinase 2; minus strand). Cytogenetic location: 22q12.1.
Variant type: single nucleotide variant.
Coding change: c.167G>T on transcript NM_007194.4 (MANE Select); coding-DNA position 167, G replaced by T.
Protein change: p.Ser56Ile; replaces serine 56 with isoleucine.
Molecular consequence: missense variant.
Genome position (GRCh38, 1-based): chr22:28,734,555, C>A on the plus strand (G>T on the coding strand, the complement: CHEK2 is on the minus strand). VCF-style: chr22-28734555-C-A. GRCh37 (hg19) VCF-style: chr22-29130543-C-A.
Other names: c.167G>T, p.Ser56Ile (NM_001005735.3, NM_001349956.3, NM_145862.3); c.-611G>T (NM_001257387.3); short protein forms S56I.
Identifiers: ClinVar variation 3226031 (VCV003226031.1), dbSNP rs1255827598, ClinGen allele CA411090927.

ClinVar aggregate classification (germline): Uncertain significance (1 of 4 stars; one submission).

Conditions:
Hereditary cancer-predisposing syndrome. Also called: Neoplastic Syndromes, Hereditary; Tumor predisposition; Hereditary neoplastic syndrome; Hereditary Cancer Syndrome. Identifiers: Orphanet 140162, MedGen C0027672, MeSH D009386, MONDO:0015356.

gnomAD v4.1: 1 of 1,613,892 alleles (0.000062%); highest among the groups gnomAD compares: Non-Finnish European, 0.000085%; no homozygotes.

Submission:

Ambry Genetics
Classification: Uncertain significance for Hereditary cancer-predisposing syndrome. Last evaluated: 2024-02-16. Review status: criteria provided, single submitter. Criteria: Ambry Variant Classification Scheme 2023. Collection method: clinical testing. Allele origin: germline.
Comment: The p.S56I variant (also known as c.167G>T), located in coding exon 1 of the CHEK2 gene, results from a G to T substitution at nucleotide position 167. The serine at codon 56 is replaced by isoleucine, an amino acid with dissimilar properties. This amino acid position is conserved. In addition, the in silico prediction for this alteration is inconclusive. Based on the available evidence, the clinical significance of this alteration remains unclear.